The following is an entry in ClinVar:

NM_007194.4(CHEK2):c.435G>T (p.Arg145=)

Gene: CHEK2 (checkpoint kinase 2; minus strand). Cytogenetic location: 22q12.1.
Variant type: single nucleotide variant.
Coding change: c.435G>T on transcript NM_007194.4 (MANE Select); coding-DNA position 435, G replaced by T.
Protein change: p.Arg145=; no amino-acid change (arginine 145 retained).
Molecular consequence: synonymous variant.
Genome position (GRCh38, 1-based): chr22:28,725,252, C>A on the plus strand (G>T on the coding strand, the complement: CHEK2 is on the minus strand). VCF-style: chr22-28725252-C-A. GRCh37 (hg19) VCF-style: chr22-29121240-C-A.
Other names: c.564G>T, p.Arg188= (NM_001005735.3); c.-343G>T (NM_001257387.3); c.435G>T, p.Arg145= (NM_001349956.3, NM_145862.3).
Identifiers: ClinVar variation 824824 (VCV000824824.14), dbSNP rs746314542, ClinGen allele CA10168006.

ClinVar aggregate classification (germline): Benign/Likely benign. Review status: criteria provided, multiple submitters, no conflicts (2 of 4 stars). 3 submissions from 3 submitters: Benign (1); Likely benign (2). Last evaluated 2024-10-02.

Conditions:
Hereditary cancer-predisposing syndrome. Also called: Neoplastic Syndromes, Hereditary; Tumor predisposition; Hereditary neoplastic syndrome; Hereditary Cancer Syndrome. Identifiers: Orphanet 140162, MedGen C0027672, MeSH D009386, MONDO:0015356.
Familial cancer of breast. Also called: BREAST CANCER, FAMILIAL; Hereditary breast cancer; hereditary breast carcinoma. Identifiers: Orphanet 227535, MedGen C0346153, MONDO:0016419, OMIM 114480. Disease mechanism: loss of function.

Allele frequency attached by ClinVar (database versions not stated): gnomAD exomes below 0.00001; ExAC 0.00001.

Submissions (3):

Myriad Genetics, Inc.
Classification: Benign for Familial cancer of breast. Last evaluated: 2024-10-02. Review status: criteria provided, single submitter. Criteria: Myriad Autosomal Dominant, Autosomal Recessive and X-Linked Classification Criteria (2023). Collection method: clinical testing. Allele origin: unknown.
Comment: This variant is considered benign. This variant is a silent/synonymous amino acid change and it is not expected to impact splicing.

Labcorp Genetics (formerly Invitae), Labcorp
Classification: Likely benign for Familial cancer of breast. Last evaluated: 2024-02-06. Review status: criteria provided, single submitter. Criteria: Invitae Variant Classification Sherloc (09022015). Collection method: clinical testing. Allele origin: germline.

Ambry Genetics
Classification: Likely benign for Hereditary cancer-predisposing syndrome. Last evaluated: 2018-10-03. Review status: criteria provided, single submitter. Criteria: Ambry Variant Classification Scheme 2023. Collection method: clinical testing. Allele origin: germline.